The following is an entry in ClinVar:

NM_000038.6(APC):c.7166G>T (p.Ser2389Ile)

Gene: APC (APC regulator of Wnt signaling pathway; plus strand). Cytogenetic location: 5q22.2.
Variant type: single nucleotide variant.
Coding change: c.7166G>T on transcript NM_000038.6 (MANE Select); coding-DNA position 7166, G replaced by T.
Protein change: p.Ser2389Ile; replaces serine 2389 with isoleucine.
Molecular consequence: missense variant.
Genome position (GRCh38, 1-based): chr5:112,842,760, G>T. VCF-style: chr5-112842760-G-T. GRCh37 (hg19) VCF-style: chr5-112178457-G-T.
Other names: c.7166G>T, p.Ser2389Ile (NM_001127510.3, NM_001354895.2); c.7112G>T, p.Ser2371Ile (NM_001127511.3); c.7220G>T, p.Ser2407Ile (NM_001354896.2); c.7196G>T, p.Ser2399Ile (NM_001354897.2); c.7091G>T, p.Ser2364Ile (NM_001354898.2); c.7082G>T, p.Ser2361Ile (NM_001354899.2); c.7043G>T, p.Ser2348Ile (NM_001354900.2); c.6989G>T, p.Ser2330Ile (NM_001354901.2); and 5 more; short protein forms S2371I, S2389I, S2263I, S2298I, S2348I, S2288I, S2330I, S2399I.
Identifiers: ClinVar variation 219987 (VCV000219987.25), dbSNP rs779287035, ClinGen allele CA047124.

ClinVar aggregate classification (germline): Uncertain significance. Review status: criteria provided, multiple submitters, no conflicts (2 of 4 stars). 6 submissions from 6 submitters: Uncertain significance (6). Last evaluated 2025-11-19.

Conditions:
Classic or attenuated familial adenomatous polyposis. Identifiers: MedGen CN372698, MONDO:0021057.
Hereditary cancer-predisposing syndrome. Also called: Hereditary neoplastic syndrome; Tumor predisposition; Hereditary Cancer Syndrome; Neoplastic Syndromes, Hereditary. Identifiers: Orphanet 140162, MedGen C0027672, MeSH D009386, MONDO:0015356.
Familial adenomatous polyposis 1 (FAP1). Also called: FAMILIAL ADENOMATOUS POLYPOSIS 1, ATTENUATED; POLYPOSIS, ADENOMATOUS INTESTINAL. Identifiers: MedGen C2713442, MONDO:0021056, OMIM 175100. Disease mechanism: loss of function.

Allele frequency attached by ClinVar (database versions not stated): ExAC 0.00001.
gnomAD v4.1: 1 of 1,614,014 alleles (0.000062%); highest among the groups gnomAD compares: Non-Finnish European, 0.000085%; no homozygotes.

Submissions (6):

Color Diagnostics, LLC DBA Color Health
Classification: Uncertain significance for Hereditary cancer-predisposing syndrome. Last evaluated: 2025-11-19. Review status: criteria provided, single submitter. Criteria: ACMG Guidelines, 2015. Collection method: clinical testing. Allele origin: germline.
Comment: This missense variant replaces serine with isoleucine at codon 2389 of the APC protein. This is a missense variant not located in the first 15-amino acid repeat of the beta--catenin binding domain (codon 1021-1035) (PMID: 37800450). To our knowledge, functional studies have not been reported for this variant. This variant has not been reported in individuals affected with APC-related disorders in the literature. This variant has been identified in 1/1614014 chromosomes in the general population by the Genome Aggregation Database (gnomAD). The available evidence is insufficient to determine the role of this variant in disease conclusively. Therefore, this variant is classified as a Variant of Uncertain Significance.

Labcorp Genetics (formerly Invitae), Labcorp
Classification: Uncertain significance for Familial adenomatous polyposis 1. Last evaluated: 2025-11-09. Review status: criteria provided, single submitter. Criteria: Invitae Variant Classification Sherloc (09022015). Collection method: clinical testing. Allele origin: germline.
Comment: This sequence change replaces serine, which is neutral and polar, with isoleucine, which is neutral and non-polar, at codon 2389 of the APC protein (p.Ser2389Ile). The frequency data for this variant in the population databases is considered unreliable, as metrics indicate poor data quality at this position in the gnomAD database. This variant has not been reported in the literature in individuals affected with APC-related conditions. ClinVar contains an entry for this variant (Variation ID: 219987). Invitae Evidence Modeling of protein sequence and biophysical properties (such as structural, functional, and spatial information, amino acid conservation, physicochemical variation, residue mobility, and thermodynamic stability) indicates that this missense variant is not expected to disrupt APC protein function with a negative predictive value of 95%. In summary, the available evidence is currently insufficient to determine the role of this variant in disease. Therefore, it has been classified as a Variant of Uncertain Significance.

Women's Health and Genetics/Laboratory Corporation of America, LabCorp
Classification: Uncertain significance. Last evaluated: 2025-07-14. Review status: criteria provided, single submitter. Criteria: LabCorp Variant Classification Summary - May 2015. Collection method: clinical testing. Allele origin: germline.
Comment: Variant summary: APC c.7166G>T (p.Ser2389Ile) results in a non-conservative amino acid change in the encoded protein sequence. Algorithms developed to predict the effect of missense changes on protein structure and function all suggest that this variant is likely to be disruptive. The variant allele was found at a frequency of 4e-06 in 250312 control chromosomes. The available data on variant occurrences in the general population are insufficient to allow any conclusion about variant significance. To our knowledge, no occurrence of c.7166G>T in individuals affected with Familial Adenomatous Polyposis and no experimental evidence demonstrating its impact on protein function have been reported. ClinVar contains an entry for this variant (Variation ID: 219987). Based on the evidence outlined above, the variant was classified as uncertain significance.

Ambry Genetics
Classification: Uncertain significance for Hereditary cancer-predisposing syndrome. Last evaluated: 2024-08-17. Review status: criteria provided, single submitter. Criteria: Ambry Variant Classification Scheme 2023. Collection method: clinical testing. Allele origin: germline.
Comment: The p.S2389I variant (also known as c.7166G>T), located in coding exon 15 of the APC gene, results from a G to T substitution at nucleotide position 7166. The serine at codon 2389 is replaced by isoleucine, an amino acid with dissimilar properties. This amino acid position is highly conserved in available vertebrate species. In addition, in silico predictors for this gene do not accurately predict pathogenicity. Since supporting evidence is limited at this time, the clinical significance of this alteration remains unclear.

All of Us Research Program, National Institutes of Health
Classification: Uncertain significance for Classic or attenuated familial adenomatous polyposis. Last evaluated: 2024-06-11. Review status: criteria provided, single submitter. Criteria: ACMG Guidelines, 2015. Collection method: clinical testing. Allele origin: germline. Inheritance: Autosomal dominant inheritance. Observed: 3 variant alleles, 3 heterozygotes.
Comment: This missense variant replaces serine with isoleucine at codon 2389 of the APC protein. Computational prediction is inconclusive regarding the impact of this variant on protein structure and function. To our knowledge, functional studies have not been reported for this variant. This variant has not been reported in individuals affected with APC-related disorders in the literature. This variant has been identified in 1/250312 chromosomes in the general population by the Genome Aggregation Database (gnomAD). The available evidence is insufficient to determine the role of this variant in disease conclusively. Therefore, this variant is classified as a Variant of Uncertain Significance.

This study involves interpretation of variants in research participants for the purpose of population health screening. Participant phenotype was not available at the time of variant classification. Additional details can be found in publication PMID: 35346344, PMCID: PMC8962531

GeneDx
Classification: Uncertain significance. Last evaluated: 2022-04-06. Review status: criteria provided, single submitter. Criteria: GeneDx Variant Classification Process June 2021. Collection method: clinical testing. Allele origin: germline. Affected: yes.
Comment: Not observed at significant frequency in large population cohorts (gnomAD); In silico analysis supports that this missense variant does not alter protein structure/function; Has not been previously published as pathogenic or benign to our knowledge; This variant is associated with the following publications: (PMID: 18199528)

Literature cited by the submitters: PubMed 37800450 (cited by Color Diagnostics, LLC DBA Color Health); PubMed 29360161 (cited by Ambry Genetics).